The following is an entry in ClinVar:

ClinVar aggregate classification (germline): Uncertain significance (1 of 4 stars; one submission).

Conditions:
Hyperphosphatasia with intellectual disability syndrome 5 (GPIBD11). Also called: GLYCOSYLPHOSPHATIDYLINOSITOL BIOSYNTHESIS DEFECT 11. Identifiers: Orphanet 247262, MedGen C4014958, MONDO:0014457, OMIM 616025.

Allele frequency attached by ClinVar (database versions not stated): gnomAD exomes below 0.00001; TOPMed 0.00001; gnomAD 0.00003.
gnomAD v4.1: 10 of 1,613,956 alleles (0.00062%); highest among the groups gnomAD compares: African/African-American, 0.0053%; no homozygotes.

Submission:

Labcorp Genetics (formerly Invitae), Labcorp
Classification: Uncertain significance for Hyperphosphatasia with intellectual disability syndrome 5. Last evaluated: 2022-10-13. Review status: criteria provided, single submitter. Criteria: Invitae Variant Classification Sherloc (09022015). Collection method: clinical testing. Allele origin: germline.
Comment: This sequence change replaces glycine, which is neutral and non-polar, with arginine, which is basic and polar, at codon 215 of the PIGW protein (p.Gly215Arg). In summary, the available evidence is currently insufficient to determine the role of this variant in disease. Therefore, it has been classified as a Variant of Uncertain Significance. Advanced modeling of protein sequence and biophysical properties (such as structural, functional, and spatial information, amino acid conservation, physicochemical variation, residue mobility, and thermodynamic stability) performed at Invitae indicates that this missense variant is expected to disrupt PIGW protein function. This variant has not been reported in the literature in individuals affected with PIGW-related conditions. This variant is present in population databases (no rsID available, gnomAD 0.01%).

NM_001346754.2(PIGW):c.643G>A (p.Gly215Arg)

Genes: MYO19 (myosin XIX; minus strand), PIGW (phosphatidylinositol glycan anchor biosynthesis class W; plus strand). Cytogenetic location: 17q12.
Variant type: single nucleotide variant.
Coding change: c.643G>A on transcript NM_001346754.2 (MANE Select); coding-DNA position 643, G replaced by A.
Protein change: p.Gly215Arg; replaces glycine 215 with arginine.
Molecular consequence: missense variant.
Genome position (GRCh38, 1-based): chr17:36,537,744, G>A. VCF-style: chr17-36537744-G-A. GRCh37 (hg19) VCF-style: chr17-34893593-G-A.
Other names: c.643G>A, p.Gly215Arg (NM_001346755.2, NM_178517.5); short protein forms G215R.
Identifiers: ClinVar variation 2196439 (VCV002196439.4), dbSNP rs886794381, ClinGen allele CA290116161.
Genomic context (GRCh38, chr17:36,537,744, plus strand): 5'-AAATTGCATTACTTTACAAACTCATTGTACTCTGTTTGGCCATTAGTCTTCCTAGGAATC[G>A]GACGATTAGCCATTATAAAATCAATAGGCTATCAGGAACATTTAACAGAGTATGGAGTTC-3'
Protein context (NP_001333683.1, residues 205-225): SVWPLVFLGI[Gly215Arg]RLAIIKSIGY